The following is an entry in ClinVar:

ClinVar aggregate classification (germline): Conflicting classifications of pathogenicity. Review status: criteria provided, conflicting classifications (1 of 4 stars). 5 submissions from 5 submitters: Likely pathogenic (2); Uncertain significance (3). Last evaluated 2026-08-27.

Conditions:
Hereditary cancer-predisposing syndrome. Also called: Hereditary Cancer Syndrome; Hereditary neoplastic syndrome; Neoplastic Syndromes, Hereditary; Tumor predisposition. Identifiers: Orphanet 140162, MedGen C0027672, MeSH D009386, MONDO:0015356.
Familial adenomatous polyposis 2. Also called: MUTYH-associated polyposis; Adenomas, multiple colorectal; ADENOMAS, MULTIPLE COLORECTAL, AUTOSOMAL RECESSIVE; FAP type 2; MUTYH-related attenuated familial adenomatous polyposis; MYH-associated polyposis. Identifiers: Orphanet 220460, Orphanet 247798, MedGen C3272841, MONDO:0012041, OMIM 608456.

Allele frequency attached by ClinVar (database versions not stated): gnomAD exomes below 0.00001.
gnomAD v4.1: 3 of 1,614,170 alleles (0.00019%); highest among the groups gnomAD compares: Non-Finnish European, 0.00025%; no homozygotes.

Submissions (5):

Myriad Genetics, Inc.
Classification: Likely pathogenic for Familial adenomatous polyposis 2. Last evaluated: 2026-08-27. Review status: criteria provided, single submitter. Criteria: Myriad Autosomal Dominant, Autosomal Recessive and X-Linked Classification Criteria (2023). Collection method: clinical testing. Allele origin: unknown.
Comment: This variant is considered likely pathogenic. Functional studies indicate this variant impacts protein function [PMID: 40738107]. This variant is expected to disrupt protein structure [Myriad internal data].

Ambry Genetics
Classification: Likely pathogenic for Hereditary cancer-predisposing syndrome. Last evaluated: 2026-08-26. Review status: criteria provided, single submitter. Criteria: Ambry Variant Classification Scheme 2023. Collection method: clinical testing. Allele origin: germline.
Comment: The p.C290Y variant (also known as c.869G>A), located in coding exon 10 of the MUTYH gene, results from a G to A substitution at nucleotide position 869. The cysteine at codon 290 is replaced by tyrosine, an amino acid with highly dissimilar properties. In a massively parallel cell-based functional assay testing 7,8-dihydro-8-oxoguanine:adenine (8OG:A) repair activity, a byproduct of oxidative damage, this variant was reported to be non-functional (Hemker SL et al. Am J Hum Genet, 2025 Sep;112:2010-2026). This amino acid position is highly conserved in available vertebrate species. In addition, this alteration is predicted to be deleterious by in silico analysis. This variant is considered to be rare based on population cohorts in the Genome Aggregation Database (gnomAD). Based on the majority of available evidence to date, this variant is likely to be pathogenic.

Labcorp Genetics (formerly Invitae), Labcorp
Classification: Uncertain significance for Familial adenomatous polyposis 2. Last evaluated: 2024-10-24. Review status: criteria provided, single submitter. Criteria: Invitae Variant Classification Sherloc (09022015). Collection method: clinical testing. Allele origin: germline.
Comment: This sequence change replaces cysteine, which is neutral and slightly polar, with tyrosine, which is neutral and polar, at codon 290 of the MUTYH protein (p.Cys290Tyr). This variant is not present in population databases (gnomAD no frequency). This variant has not been reported in the literature in individuals affected with MUTYH-related conditions. ClinVar contains an entry for this variant (Variation ID: 421951). An algorithm developed to predict the effect of missense changes on protein structure and function (PolyPhen-2) suggests that this variant is likely to be disruptive. In summary, the available evidence is currently insufficient to determine the role of this variant in disease. Therefore, it has been classified as a Variant of Uncertain Significance.

GeneDx
Classification: Uncertain significance. Last evaluated: 2020-01-07. Review status: criteria provided, single submitter. Criteria: GeneDx Variant Classification Process June 2021. Collection method: clinical testing. Allele origin: germline. Affected: yes.
Comment: Not observed in large population cohorts (Lek 2016); In silico analysis, which includes protein predictors and evolutionary conservation, supports a deleterious effect; Has not been previously published as pathogenic or benign to our knowledge

Color Diagnostics, LLC DBA Color Health
Classification: Uncertain significance for Hereditary cancer-predisposing syndrome. Last evaluated: 2019-06-30. Review status: criteria provided, single submitter. Criteria: ACMG Guidelines, 2015. Collection method: clinical testing. Allele origin: germline.

Literature cited by the submitters: PubMed 40738107 (cited by Myriad Genetics, Inc. and Ambry Genetics).

NM_001048174.2(MUTYH):c.785G>A (p.Cys262Tyr)

Gene: MUTYH (mutY DNA glycosylase; minus strand). Cytogenetic location: 1p34.1.
Variant type: single nucleotide variant.
Coding change: c.785G>A on transcript NM_001048174.2 (MANE Select); coding-DNA position 785, G replaced by A.
Protein change: p.Cys262Tyr; replaces cysteine 262 with tyrosine.
Molecular consequence: missense variant. On other transcripts: non-coding transcript variant (2).
Genome position (GRCh38, 1-based): chr1:45,332,230, C>T on the plus strand (G>A on the coding strand, the complement: MUTYH is on the minus strand). VCF-style: chr1-45332230-C-T. GRCh37 (hg19) VCF-style: chr1-45797902-C-T.
Other names: c.785G>A, p.Cys262Tyr (NM_001048171.2, NM_001048173.2, NM_001293195.2); c.788G>A, p.Cys263Tyr (NM_001048172.2); c.869G>A, p.Cys290Tyr (NM_001128425.2); c.830G>A, p.Cys277Tyr (NM_001293190.2); c.818G>A, p.Cys273Tyr (NM_001293191.2); c.509G>A, p.Cys170Tyr (NM_001293192.2, NM_001293196.2); c.440G>A, p.Cys147Tyr (NM_001350650.2, NM_001350651.2); c.860G>A, p.Cys287Tyr (NM_012222.3); short protein forms C290Y, C147Y, C273Y, C277Y, C170Y, C262Y, C263Y, C287Y.
Identifiers: ClinVar variation 421951 (VCV000421951.11), dbSNP rs1064795466, ClinGen allele CA16617160.